The following is an entry in ClinVar:

ClinVar aggregate classification (germline): Uncertain significance (1 of 4 stars; one submission).

Submission:

Labcorp Genetics (formerly Invitae), Labcorp
Classification: Uncertain significance. Last evaluated: 2023-10-22. Review status: criteria provided, single submitter. Criteria: Invitae Variant Classification Sherloc (09022015). Collection method: clinical testing. Allele origin: germline.
Comment: This sequence change replaces proline, which is neutral and non-polar, with serine, which is neutral and polar, at codon 2254 of the HIVEP2 protein (p.Pro2254Ser). This variant is not present in population databases (gnomAD no frequency). This variant has not been reported in the literature in individuals affected with HIVEP2-related conditions. An algorithm developed to predict the effect of missense changes on protein structure and function (PolyPhen-2) suggests that this variant is likely to be tolerated. In summary, the available evidence is currently insufficient to determine the role of this variant in disease. Therefore, it has been classified as a Variant of Uncertain Significance.

NM_006734.4(HIVEP2):c.6760C>T (p.Pro2254Ser)

Gene: HIVEP2 (HIVEP zinc finger 2; minus strand). Cytogenetic location: 6q24.2.
Variant type: single nucleotide variant.
Coding change: c.6760C>T on transcript NM_006734.4 (MANE Select); coding-DNA position 6760, C replaced by T.
Protein change: p.Pro2254Ser; replaces proline 2254 with serine.
Molecular consequence: missense variant.
Genome position (GRCh38, 1-based): chr6:142,753,688, G>A on the plus strand (C>T on the coding strand, the complement: HIVEP2 is on the minus strand). VCF-style: chr6-142753688-G-A. GRCh37 (hg19) VCF-style: chr6-143074825-G-A.
Other names: short protein forms P2254S.
Identifiers: ClinVar variation 2771099 (VCV002771099.3), dbSNP rs1774989054, ClinGen allele CA365941787.